The following is an entry in ClinVar:

NM_002234.4(KCNA5):c.919C>T (p.Pro307Ser)

Gene: KCNA5 (potassium voltage-gated channel subfamily A member 5; plus strand). Cytogenetic location: 12p13.32.
Variant type: single nucleotide variant.
Coding change: c.919C>T on transcript NM_002234.4 (MANE Select); coding-DNA position 919, C replaced by T.
Protein change: p.Pro307Ser; replaces proline 307 with serine.
Molecular consequence: missense variant.
Genome position (GRCh38, 1-based): chr12:5,045,066, C>T. VCF-style: chr12-5045066-C-T. GRCh37 (hg19) VCF-style: chr12-5154232-C-T.
Other names: short protein forms P307S.
Identifiers: ClinVar variation 191463 (VCV000191463.48), dbSNP rs17215409, ClinGen allele CA199821.

ClinVar aggregate classification (germline): Conflicting classifications of pathogenicity. Review status: criteria provided, conflicting classifications (1 of 4 stars). 11 submissions from 11 submitters: Uncertain significance (1); Benign (1); Likely benign (5). 4 of the submissions do not count toward it. Last evaluated 2026-02-03.

Conditions:
KCNA5-related disorder. Also called: KCNA5-related condition.
altered potassium channel function.
Pulmonary arterial hypertension. Identifiers: Orphanet 182090, MedGen C2973725, MeSH D000081029, MONDO:0015924, HP:0002092.
Atrial fibrillation, familial, 7 (ATFB7). Identifiers: MedGen C2677106, MONDO:0012828, OMIM 612240.

Allele frequency attached by ClinVar (database versions not stated): 1000 Genomes Project 0.00140; 1000 Genomes Project 30x 0.00156; ExAC 0.00194; gnomAD exomes 0.00218 and 0.00345; TOPMed 0.00226; gnomAD 0.00235 and 0.00241; ESP Exome Variant Server 0.00239.

Submissions (11):

Labcorp Genetics (formerly Invitae), Labcorp
Classification: Likely benign for Atrial fibrillation, familial, 7. Last evaluated: 2026-02-03. Review status: criteria provided, single submitter. Criteria: Invitae Variant Classification Sherloc (09022015). Collection method: clinical testing. Allele origin: germline.

Blueprint Genetics
Classification: Likely benign. Last evaluated: 2024-11-21. Review status: criteria provided, single submitter. Criteria: ACMG Guidelines, 2015. Collection method: clinical testing. Allele origin: germline.

Women's Health and Genetics/Laboratory Corporation of America, LabCorp
Classification: Likely benign. Last evaluated: 2024-03-30. Review status: criteria provided, single submitter. Criteria: LabCorp Variant Classification Summary - May 2015. Collection method: clinical testing. Allele origin: germline.

ARUP Laboratories, Molecular Genetics and Genomics, ARUP Laboratories
Classification: Likely benign for Atrial fibrillation, familial, 7. Last evaluated: 2023-10-05. Review status: criteria provided, single submitter. Criteria: ARUP Molecular Germline Variant Investigation Process 2024. Collection method: clinical testing. Allele origin: germline.

CeGaT Center for Human Genetics Tuebingen
Classification: Benign. Last evaluated: 2022-10-01. Review status: criteria provided, single submitter. Criteria: CeGaT Center For Human Genetics Tuebingen Variant Classification Criteria Version 2. Collection method: clinical testing. Allele origin: germline. Affected: yes. Observed: 1 variant allele.
Comment: KCNA5: BS1, BS2

GeneDx
Classification: Likely benign. Last evaluated: 2020-12-29. Review status: criteria provided, single submitter. Criteria: GeneDx Variant Classification Process June 2021. Collection method: clinical testing. Allele origin: germline. Affected: yes.
Comment: This variant is associated with the following publications: (PMID: 16411137, 24068186, 22402074, 21507821, 18209767, 15735608)

Biesecker Lab/Clinical Genomics Section, National Institutes of Health
Classification: Uncertain significance for altered potassium channel function. Last evaluated: 2013-06-24. Review status: criteria provided, single submitter. Criteria: Ng et al. (Circ Cardiovasc Genet. 2013). Collection method: research. Allele origin: unknown. Observed: 4 variant alleles. Study: ClinSeq.
Comment: The study set was not selected for affection status in relation to any cancer. Pathogenicity categories were based on literature curation. See Pubmed ID:23861362 for details.

Medical sequencing

John Welsh Cardiovascular Diagnostic Laboratory, Baylor College of Medicine
Classification: Likely benign for Pulmonary arterial hypertension. Last evaluated: 2022-09-26. Review status: no assertion criteria provided. Criteria: ACMG Guidelines, 2015. Collection method: clinical testing. Allele origin: germline. Not counted in ClinVar's aggregate classification.

PreventionGenetics, part of Exact Sciences
Classification: Likely benign for KCNA5-related condition. Last evaluated: 2019-07-16. Review status: no assertion criteria provided. Collection method: clinical testing. Allele origin: germline. Not counted in ClinVar's aggregate classification.
Comment: This variant is classified as likely benign based on ACMG/AMP sequence variant interpretation guidelines (Richards et al. 2015 PMID: 25741868, with internal and published modifications).

Clinical Genetics, Academic Medical Center
Classification: Benign. Review status: no assertion criteria provided. Collection method: clinical testing. Allele origin: germline. Affected: yes. Study: VKGL Data-share Consensus. Not counted in ClinVar's aggregate classification.

Joint Genome Diagnostic Labs from Nijmegen and Maastricht, Radboudumc and MUMC+
Classification: Likely benign. Review status: no assertion criteria provided. Collection method: clinical testing. Allele origin: germline. Affected: yes. Study: VKGL Data-share Consensus. Not counted in ClinVar's aggregate classification.